The following is an entry in ClinVar:

NM_001211.6(BUB1B):c.179G>A (p.Arg60Gln)

Gene: BUB1B (BUB1 mitotic checkpoint serine/threonine kinase B; plus strand). Cytogenetic location: 15q15.1.
Variant type: single nucleotide variant.
Coding change: c.179G>A on transcript NM_001211.6 (MANE Select); coding-DNA position 179, G replaced by A.
Protein change: p.Arg60Gln; replaces arginine 60 with glutamine.
Molecular consequence: missense variant.
Genome position (GRCh38, 1-based): chr15:40,165,196, G>A. VCF-style: chr15-40165196-G-A. GRCh37 (hg19) VCF-style: chr15-40457397-G-A.
Other names: short protein forms R60Q.
Identifiers: ClinVar variation 1706188 (VCV001706188.7), dbSNP rs770498351, ClinGen allele CA7475362.

ClinVar aggregate classification (germline): Uncertain significance. Review status: criteria provided, multiple submitters, no conflicts (2 of 4 stars). 2 submissions from 2 submitters: Uncertain significance (2). Last evaluated 2022-11-09.

Conditions:
Mosaic variegated aneuploidy syndrome 1 (MVA1). Also called: Warburton-Anyane-Yeboa syndrome. Identifiers: Orphanet 1052, MedGen C1850343, MONDO:0009759, OMIM 257300.

Allele frequency attached by ClinVar (database versions not stated): TOPMed below 0.00001; gnomAD 0.00001; gnomAD exomes 0.00001; ExAC 0.00002.
gnomAD v4.1: 22 of 1,614,052 alleles (0.0014%); highest among the groups gnomAD compares: East Asian, 0.0089%; no homozygotes.

Submissions (2):

Labcorp Genetics (formerly Invitae), Labcorp
Classification: Uncertain significance for Mosaic variegated aneuploidy syndrome 1. Last evaluated: 2022-11-09. Review status: criteria provided, single submitter. Criteria: Invitae Variant Classification Sherloc (09022015). Collection method: clinical testing. Allele origin: germline.
Comment: In summary, the available evidence is currently insufficient to determine the role of this variant in disease. Therefore, it has been classified as a Variant of Uncertain Significance. This sequence change replaces arginine, which is basic and polar, with glutamine, which is neutral and polar, at codon 60 of the BUB1B protein (p.Arg60Gln). This variant also falls at the last nucleotide of exon 2, which is part of the consensus splice site for this exon. This variant is present in population databases (rs770498351, gnomAD 0.02%). This variant has not been reported in the literature in individuals affected with BUB1B-related conditions. ClinVar contains an entry for this variant (Variation ID: 1706188). Algorithms developed to predict the effect of missense changes on protein structure and function (SIFT, PolyPhen-2, Align-GVGD) all suggest that this variant is likely to be tolerated. Variants that disrupt the consensus splice site are a relatively common cause of aberrant splicing (PMID: 17576681, 9536098). Algorithms developed to predict the effect of sequence changes on RNA splicing suggest that this variant may disrupt the consensus splice site.

GeneDx
Classification: Uncertain significance. Last evaluated: 2022-03-16. Review status: criteria provided, single submitter. Criteria: GeneDx Variant Classification Process June 2021. Collection method: clinical testing. Allele origin: germline. Affected: yes.
Comment: In silico analysis supports a deleterious effect on splicing; In silico analysis supports that this missense variant does not alter protein structure/function; Has not been previously published as pathogenic or benign to our knowledge

Literature cited by the submitters: PubMed 17576681 (cited by Labcorp Genetics (formerly Invitae), Labcorp); PubMed 9536098 (cited by Labcorp Genetics (formerly Invitae), Labcorp).